The following is an entry in ClinVar:

NM_002755.4(MAP2K1):c.1039G>A (p.Ala347Thr)

Gene: MAP2K1 (mitogen-activated protein kinase kinase 1; plus strand). Cytogenetic location: 15q22.31.
Variant type: single nucleotide variant.
Coding change: c.1039G>A on transcript NM_002755.4 (MANE Select); coding-DNA position 1039, G replaced by A.
Protein change: p.Ala347Thr; replaces alanine 347 with threonine.
Molecular consequence: missense variant.
Genome position (GRCh38, 1-based): chr15:66,489,734, G>A. VCF-style: chr15-66489734-G-A. GRCh37 (hg19) VCF-style: chr15-66782072-G-A.
Other names: short protein forms A347T.
Identifiers: ClinVar variation 228846 (VCV000228846.12), dbSNP rs746354996, ClinGen allele CA7624098.

ClinVar aggregate classification (germline): Uncertain significance. Review status: criteria provided, multiple submitters, no conflicts (2 of 4 stars). 3 submissions from 3 submitters: Uncertain significance (3). Last evaluated 2026-10-01.

Conditions:
Cardiofaciocutaneous syndrome 3 (CFC3). Also called: MAP2K1-Related Cardiofaciocutaneous Syndrome. Identifiers: Orphanet 1340, MedGen C3809006, MONDO:0014113, OMIM 615279.
RASopathy. Also called: rasopathies; Noonan spectrum disorder. Identifiers: Orphanet 536391, MedGen C5555857, MONDO:0021060.

Allele frequency attached by ClinVar (database versions not stated): gnomAD 0.00001; TOPMed 0.00001; ExAC 0.00002; gnomAD exomes 0.00002 and 0.00003.
gnomAD v4.1: 24 of 1,613,688 alleles (0.0015%); highest among the groups gnomAD compares: East Asian, 0.0022%; no homozygotes.

Submissions (3):

St. Jude Molecular Pathology, St. Jude Children's Research Hospital
Classification: Uncertain significance for Cardiofaciocutaneous syndrome 3. Last evaluated: 2026-10-01. Review status: criteria provided, single submitter. Criteria: St. Jude Assertion Criteria 2020. Collection method: clinical testing. Allele origin: germline.
Comment: The MAP2K1 c.1039G>A p.(Ala347Thr) missense change has a maximum subpopulation frequency of 0.005% in gnomAD v2.1.1. The in silico tool REVEL predicts a benign effect on protein function, but to ou r knowledge this prediction has not been confirmed by functional studies. This variant has been reported in a fetus with abnormal ultrasound findings (PMID: 23321623). In summary, the evidence currently available is insufficient to determine the clinical significance of this variant. It has therefore been classified as of uncertain significance.Ã¢ € ¯Ã¢ € ¯

Labcorp Genetics (formerly Invitae), Labcorp
Classification: Uncertain significance for RASopathy. Last evaluated: 2025-07-13. Review status: criteria provided, single submitter. Criteria: Invitae Variant Classification Sherloc (09022015). Collection method: clinical testing. Allele origin: germline.
Comment: This sequence change replaces alanine, which is neutral and non-polar, with threonine, which is neutral and polar, at codon 347 of the MAP2K1 protein (p.Ala347Thr). This variant is present in population databases (rs746354996, gnomAD 0.005%). This missense change has been observed in individual(s) with Noonan syndrome (PMID: 23321623). ClinVar contains an entry for this variant (Variation ID: 228846). Invitae Evidence Modeling of protein sequence and biophysical properties (such as structural, functional, and spatial information, amino acid conservation, physicochemical variation, residue mobility, and thermodynamic stability) indicates that this missense variant is not expected to disrupt MAP2K1 protein function with a negative predictive value of 95%. Algorithms developed to predict the effect of sequence changes on RNA splicing suggest that this variant may disrupt the consensus splice site. In summary, the available evidence is currently insufficient to determine the role of this variant in disease. Therefore, it has been classified as a Variant of Uncertain Significance.

Laboratory for Molecular Medicine, Mass General Brigham Personalized Medicine
Classification: Uncertain significance. Last evaluated: 2015-10-22. Review status: criteria provided, single submitter. Criteria: LMM Criteria. Collection method: clinical testing. Allele origin: germline. Observed: 2 variant alleles.
Comment: Variant classified as Uncertain Significance - Favor Benign. The p.Ala347Thr var iant in MAP2K1 has been reported prenatally in 1 fetus with unspecified abnormal ultrasound findings that may be suggestive of Noonan syndrome (Croonen 2013). This va riant has also been identified in 1/6614 of Finnish chromosomes by the Exome Agg regation Consortium (ExAC). Computational predic tion tools and conservation analysis do not provide strong support for or agains t an impact to the protein. In summary, while the clinical significance of the p .Ala347Thr variant is uncertain, the fact that it was identified in an unaffecte d parent suggests that it is more likely to be benign.

Literature cited by the submitters: PubMed 23321623 (cited by Labcorp Genetics (formerly Invitae), Labcorp and Laboratory for Molecular Medicine, Mass General Brigham Personalized Medicine).